The following is an entry in ClinVar:

NM_147127.5(EVC2):c.864dup (p.Val289fs)

Gene: EVC2 (EvC ciliary complex subunit 2; minus strand). Cytogenetic location: 4p16.2.
Variant type: Duplication.
Coding change: c.864dup on transcript NM_147127.5 (MANE Select); coding-DNA position 864, one base duplicated (C; older notation c.864dupC).
Protein change: p.Val289fs; shifts the reading frame from valine 289.
Molecular consequence: frameshift variant.
Genome position (GRCh38, 1-based): chr4:5,681,266, G duplicated on the plus strand (C on the coding strand, the reverse complement: EVC2 is on the minus strand). VCF-style (leftmost placement, unchanged base first): chr4-5681265-C-CG. GRCh37 (hg19) VCF-style: chr4-5682992-C-CG.
Other names: c.864dupC (NM_147127.4); c.624dup, p.Val209fs (NM_001166136.2); short protein forms V209fs, V289fs.
Identifiers: ClinVar variation 451685 (VCV000451685.3), dbSNP rs1553849875, ClinGen allele CA658657375.

ClinVar aggregate classification (germline): Likely pathogenic (1 of 4 stars; one submission).

Submission:

GeneDx
Classification: Likely pathogenic. Last evaluated: 2019-12-18. Review status: criteria provided, single submitter. Criteria: GeneDx Variant Classification Process June 2021. Collection method: clinical testing. Allele origin: germline. Affected: yes.
Comment: Frameshift variant predicted to result in protein truncation or nonsense mediated decay in a gene for which loss-of-function is a known mechanism of disease; Not observed in large population cohorts (Lek et al., 2016); Has not been previously published as pathogenic or benign to our knowledge